The following is an entry in ClinVar:

NM_023018.5(NADK):c.263+2107G>A

Gene: NADK (NAD kinase; minus strand). Cytogenetic location: 1p36.33.
Variant type: single nucleotide variant.
Coding change: c.263+2107G>A on transcript NM_023018.5 (MANE Select); 2107 bases into the intron after coding-DNA position 263, G replaced by A.
Molecular consequence: intron variant. On other transcripts: synonymous variant (1).
Genome position (GRCh38, 1-based): chr1:1,759,845, C>T on the plus strand (G>A on the coding strand, the complement: NADK is on the minus strand). VCF-style: chr1-1759845-C-T. GRCh37 (hg19) VCF-style: chr1-1691284-C-T.
Other names: c.321G>A, p.Ser107= (NM_001198994.2); c.263+2107G>A (NM_001353641.2, NM_001198993.2); c.2+2046G>A (NM_001353642.2).
Identifiers: ClinVar variation 2638062 (VCV002638062.24), dbSNP rs367736412, ClinGen allele CA531784.

ClinVar aggregate classification (germline): Likely benign (1 of 4 stars; one submission).

Allele frequency attached by ClinVar (database versions not stated): 1000 Genomes Project 30x 0.00078; 1000 Genomes Project 0.00080; ExAC 0.00081; ESP Exome Variant Server 0.00115; TOPMed 0.00148; gnomAD 0.00163; gnomAD exomes 0.00293.
gnomAD v4.1: 4,342 of 1,551,046 alleles (0.28%); highest among the groups gnomAD compares: Non-Finnish European, 0.36%; 9 homozygotes.

Submission:

CeGaT Center for Human Genetics Tuebingen
Classification: Likely benign. Last evaluated: 2022-07-01. Review status: criteria provided, single submitter. Criteria: CeGaT Center For Human Genetics Tuebingen Variant Classification Criteria Version 2. Collection method: clinical testing. Allele origin: germline. Affected: yes. Observed: 1 variant allele.
Comment: NADK: BP4, BP7